The following is an entry in ClinVar:

NM_006258.4(PRKG1):c.1306A>C (p.Ile436Leu)

Gene: PRKG1 (protein kinase cGMP-dependent 1; plus strand). Cytogenetic location: 10q21.1.
Variant type: single nucleotide variant.
Coding change: c.1306A>C on transcript NM_006258.4 (MANE Select); coding-DNA position 1306, A replaced by C.
Protein change: p.Ile436Leu; replaces isoleucine 436 with leucine.
Molecular consequence: missense variant.
Genome position (GRCh38, 1-based): chr10:52,271,482, A>C. VCF-style: chr10-52271482-A-C. GRCh37 (hg19) VCF-style: chr10-54031242-A-C.
Other names: c.1261A>C, p.Ile421Leu (NM_001098512.3); c.97A>C, p.Ile33Leu (NM_001374781.1); short protein forms I33L, I421L, I436L.
Identifiers: ClinVar variation 1769517 (VCV001769517.2), dbSNP rs766680993, ClinGen allele CA376535470.
Genomic context (GRCh38, chr10:52,271,482, plus strand): 5'-AGACAGCAGGAGCACATCCGCTCAGAGAAGCAGATCATGCAGGGGGCTCATTCCGATTTC[A>C]TAGTGAGGTAAAGGCTCCATGCCAGGGACAGACGTACCCAACTCCAAGTGACAAATCCAC-3'
Protein context (NP_006249.1, residues 426-446): QIMQGAHSDF[Ile436Leu]VRLYRTFKDS

ClinVar aggregate classification (germline): Uncertain significance (1 of 4 stars; one submission).

Conditions:
Familial thoracic aortic aneurysm and aortic dissection (TAAD). Also called: Thoracic aortic aneurysms and dissections. Identifiers: Orphanet 91387, MedGen C4707243, MONDO:0019625.

Allele frequency attached by ClinVar (database versions not stated): TOPMed 0.00001.

Submission:

Ambry Genetics
Classification: Uncertain significance for Familial thoracic aortic aneurysm and aortic dissection. Last evaluated: 2022-09-13. Review status: criteria provided, single submitter. Criteria: Ambry Variant Classification Scheme 2023. Collection method: clinical testing. Allele origin: germline.
Comment: The p.I436L variant (also known as c.1306A>C), located in coding exon 11 of the PRKG1 gene, results from an A to C substitution at nucleotide position 1306. The isoleucine at codon 436 is replaced by leucine, an amino acid with highly similar properties. This amino acid position is conserved. In addition, this alteration is predicted to be tolerated by in silico analysis. Since supporting evidence is limited at this time, the clinical significance of this alteration remains unclear.